The following is an entry in ClinVar:

NM_000287.4(PEX6):c.1885-1G>A

Gene: PEX6 (peroxisomal biogenesis factor 6; minus strand). Cytogenetic location: 6p21.1.
Variant type: single nucleotide variant.
Coding change: c.1885-1G>A on transcript NM_000287.4 (MANE Select); the canonical splice acceptor site of the intron before coding-DNA position 1885, G replaced by A.
Molecular consequence: splice acceptor variant.
Genome position (GRCh38, 1-based): chr6:42,966,859, C>T on the plus strand (G>A on the coding strand, the complement: PEX6 is on the minus strand). VCF-style: chr6-42966859-C-T. GRCh37 (hg19) VCF-style: chr6-42934597-C-T.
Other names: c.1621-1G>A (NM_001316313.2).
Identifiers: ClinVar variation 2863713 (VCV002863713.4), dbSNP rs1227840515, ClinGen allele CA364153298.

ClinVar aggregate classification (germline): Likely pathogenic. Review status: criteria provided, multiple submitters, no conflicts (2 of 4 stars). 2 submissions from 2 submitters: Likely pathogenic (2). Last evaluated 2025-03-03.

Conditions:
Peroxisome biogenesis disorder. Identifiers: Orphanet 79189, MedGen C1832200, MONDO:0019234. Disease mechanism: loss of function.

Submissions (2):

Women's Health and Genetics/Laboratory Corporation of America, LabCorp
Classification: Likely pathogenic for Peroxisome Biogenesis Disorder. Last evaluated: 2025-03-03. Review status: criteria provided, single submitter. Criteria: LabCorp Variant Classification Summary - May 2015. Collection method: clinical testing. Allele origin: germline.
Comment: Variant summary: PEX6 c.1885-1G>A is located in a canonical splice-site and is predicted to affect mRNA splicing resulting in a significantly altered protein due to either exon skipping, shortening, or inclusion of intronic material. Variants that disrupt the consensus splice site are a relatively common cause of aberrant splicing and loss of PEX6 function. Several computational tools predict a significant impact on normal splicing: Four predict the variant abolishes the canonical 3' acceptor site and creates a cryptic 3' acceptor site. However, these predictions have yet to be confirmed by functional studies. The frequency data for this variant in gnomAD is considered unreliable, as metrics indicate poor data quality at this position. To our knowledge, no occurrence of c.1885-1G>A in individuals affected with Peroxisome Biogenesis Disorder and no experimental evidence demonstrating its impact on protein function have been reported. ClinVar contains an entry for this variant (Variation ID: 2863713). Based on the evidence outlined above, the variant was classified as likely pathogenic.

Labcorp Genetics (formerly Invitae), Labcorp
Classification: Likely pathogenic for Peroxisome biogenesis disorder. Last evaluated: 2023-05-10. Review status: criteria provided, single submitter. Criteria: Invitae Variant Classification Sherloc (09022015). Collection method: clinical testing. Allele origin: germline.
Comment: This sequence change affects an acceptor splice site in intron 8 of the PEX6 gene. It is expected to disrupt RNA splicing. Variants that disrupt the donor or acceptor splice site typically lead to a loss of protein function (PMID: 16199547), and loss-of-function variants in PEX6 are known to be pathogenic (PMID: 8670792, 19877282, 21031596). This variant is not present in population databases (gnomAD no frequency). This variant has not been reported in the literature in individuals affected with PEX6-related conditions. Algorithms developed to predict the effect of sequence changes on RNA splicing suggest that this variant may disrupt the consensus splice site. In summary, the currently available evidence indicates that the variant is pathogenic, but additional data are needed to prove that conclusively. Therefore, this variant has been classified as Likely Pathogenic.

Literature cited by the submitters: PubMed 16199547 (cited by Labcorp Genetics (formerly Invitae), Labcorp); PubMed 8670792 (cited by Labcorp Genetics (formerly Invitae), Labcorp); PubMed 19877282 (cited by Labcorp Genetics (formerly Invitae), Labcorp); PubMed 21031596 (cited by Labcorp Genetics (formerly Invitae), Labcorp).